The following is an entry in ClinVar:

NM_003331.5(TYK2):c.466-1G>A

Gene: TYK2 (tyrosine kinase 2; minus strand). Cytogenetic location: 19p13.2.
Variant type: single nucleotide variant.
Coding change: c.466-1G>A on transcript NM_003331.5 (MANE Select); the canonical splice acceptor site of the intron before coding-DNA position 466, G replaced by A.
Molecular consequence: splice acceptor variant.
Genome position (GRCh38, 1-based): chr19:10,366,581, C>T on the plus strand (G>A on the coding strand, the complement: TYK2 is on the minus strand). VCF-style: chr19-10366581-C-T. GRCh37 (hg19) VCF-style: chr19-10477257-C-T.
Other names: c.466-1G>A (NM_001385199.1, NM_001406461.1, NM_001385205.1 and 9 more transcripts).
Identifiers: ClinVar variation 1298740 (VCV001298740.35), dbSNP rs2145259879, ClinGen allele CA404018487.
Genomic context (GRCh38, chr19:10,366,581, plus strand): 5'-CTCCTCCTCGGTCGACAGCTCCCACAGTGATGCCACGTCATTCACAAACTCATGCTTGCC[C>T]TGGGAACAGGAAATTGAGCAGAAAGGGAGGTGTGAGAATGCGTTCCTCTCTAGCCCAGAG-3'

ClinVar aggregate classification (germline): Likely pathogenic (1 of 4 stars; one submission).

Submission:

CeGaT Center for Human Genetics Tuebingen
Classification: Likely pathogenic. Last evaluated: 2022-10-01. Review status: criteria provided, single submitter. Criteria: CeGaT Center For Human Genetics Tuebingen Variant Classification Criteria Version 2. Collection method: clinical testing. Allele origin: germline. Affected: yes. Observed: 4 variant alleles.
Comment: TYK2: PVS1:Strong, PM2